The following is an entry in ClinVar:

NM_000260.4(MYO7A):c.3504-122G>A

Gene: MYO7A (myosin VIIA; plus strand). Cytogenetic location: 11q13.5.
Variant type: single nucleotide variant.
Coding change: c.3504-122G>A on transcript NM_000260.4 (MANE Select); 122 bases into the intron before coding-DNA position 3504, G replaced by A.
Molecular consequence: intron variant.
Genome position (GRCh38, 1-based): chr11:77,189,222, G>A. VCF-style: chr11-77189222-G-A. GRCh37 (hg19) VCF-style: chr11-76900267-G-A.
Other names: NC_000011.9:g.76900267G>A; c.3471-122G>A (NM_001369365.1); c.3504-122G>A (NM_001127180.2).
Identifiers: ClinVar variation 678830 (VCV000678830.2), dbSNP rs12792197, ClinGen allele CA13464831.

ClinVar aggregate classification (germline): Benign (1 of 4 stars; one submission).

Allele frequency attached by ClinVar (database versions not stated): 1000 Genomes Project 0.57788; gnomAD 0.63236 and 0.61865; 1000 Genomes Project 30x 0.58604; TOPMed 0.63137.

Submissions (7):

GeneDx
Classification: Benign. Last evaluated: 2018-06-14. Review status: criteria provided, single submitter. Criteria: GeneDx Variant Classification (06012015). Collection method: clinical testing. Allele origin: germline. Affected: yes.
Comment: This variant is considered likely benign or benign based on one or more of the following criteria: it is a conservative change, it occurs at a poorly conserved position in the protein, it is predicted to be benign by multiple in silico algorithms, and/or has population frequency not consistent with disease.

Dr. Peter K. Rogan Lab, Western University
No classification provided (evidence only). Condition: Malignant lymphoma, large B-cell, diffuse. Review status: no classification provided. Collection method: in vitro. Allele origin: not applicable. Functional consequence: retained intron. Not counted in ClinVar's aggregate classification.

Dr. Peter K. Rogan Lab, Western University
No classification provided (evidence only). Condition: Malignant lymphoma, large B-cell, diffuse. Review status: no classification provided. Collection method: in vitro. Allele origin: not applicable. Functional consequence: retained intron. Not counted in ClinVar's aggregate classification.

Dr. Peter K. Rogan Lab, Western University
No classification provided (evidence only). Condition: Malignant lymphoma, large B-cell, diffuse. Review status: no classification provided. Collection method: in vitro. Allele origin: not applicable. Functional consequence: retained intron. Not counted in ClinVar's aggregate classification.

Dr. Peter K. Rogan Lab, Western University
No classification provided (evidence only). Condition: Malignant lymphoma, large B-cell, diffuse. Review status: no classification provided. Collection method: in vitro. Allele origin: not applicable. Functional consequence: retained intron. Not counted in ClinVar's aggregate classification.

Dr. Peter K. Rogan Lab, Western University
No classification provided (evidence only). Condition: Hepatocellular carcinoma. Review status: no classification provided. Collection method: in vitro. Allele origin: not applicable. Functional consequence: retained intron. Not counted in ClinVar's aggregate classification.

Dr. Peter K. Rogan Lab, Western University
No classification provided (evidence only). Condition: Hepatocellular carcinoma. Review status: no classification provided. Collection method: in vitro. Allele origin: not applicable. Functional consequence: retained intron. Not counted in ClinVar's aggregate classification.